The following is an entry in ClinVar:

NM_001371986.1(UNC80):c.3011T>C (p.Met1004Thr)

Gene: UNC80 (unc-80 subunit of NALCN channel complex; plus strand). Cytogenetic location: 2q34.
Variant type: single nucleotide variant.
Coding change: c.3011T>C on transcript NM_001371986.1 (MANE Select); coding-DNA position 3011, T replaced by C.
Protein change: p.Met1004Thr; replaces methionine 1004 with threonine.
Molecular consequence: missense variant.
Genome position (GRCh38, 1-based): chr2:209,834,980, T>C. VCF-style: chr2-209834980-T-C. GRCh37 (hg19) VCF-style: chr2-210699704-T-C.
Other names: c.3011T>C, p.Met1004Thr (NM_032504.2); c.2996T>C, p.Met999Thr (NM_182587.4); short protein forms M1004T, M999T.
Identifiers: ClinVar variation 1945083 (VCV001945083.5), dbSNP rs1027867640, ClinGen allele CA64681372.

ClinVar aggregate classification (germline): Uncertain significance (1 of 4 stars; one submission).

Allele frequency attached by ClinVar (database versions not stated): gnomAD exomes below 0.00001; TOPMed 0.00001.

Submission:

Labcorp Genetics (formerly Invitae), Labcorp
Classification: Uncertain significance. Last evaluated: 2022-02-08. Review status: criteria provided, single submitter. Criteria: Invitae Variant Classification Sherloc (09022015). Collection method: clinical testing. Allele origin: germline.
Comment: Algorithms developed to predict the effect of missense changes on protein structure and function are either unavailable or do not agree on the potential impact of this missense change (SIFT: "Not Available"; PolyPhen-2: "Benign"; Align-GVGD: "Not Available"). In summary, the available evidence is currently insufficient to determine the role of this variant in disease. Therefore, it has been classified as a Variant of Uncertain Significance. This variant has not been reported in the literature in individuals affected with UNC80-related conditions. This variant is not present in population databases (gnomAD no frequency). This sequence change replaces methionine, which is neutral and non-polar, with threonine, which is neutral and polar, at codon 1004 of the UNC80 protein (p.Met1004Thr).